The following is an entry in ClinVar:

NM_001083962.2(TCF4):c.554A>G (p.Tyr185Cys)

Gene: TCF4 (transcription factor 4; minus strand). Cytogenetic location: 18q21.2.
Variant type: single nucleotide variant.
Coding change: c.554A>G on transcript NM_001083962.2 (MANE Select); coding-DNA position 554, A replaced by G.
Protein change: p.Tyr185Cys; replaces tyrosine 185 with cysteine.
Molecular consequence: missense variant. On other transcripts: 5 prime UTR variant (1).
Genome position (GRCh38, 1-based): chr18:55,279,652, T>C on the plus strand (A>G on the coding strand, the complement: TCF4 is on the minus strand). VCF-style: chr18-55279652-T-C. GRCh37 (hg19) VCF-style: chr18-52946883-T-C.
Other names: c.860A>G, p.Tyr287Cys (NM_001243226.3); c.482A>G, p.Tyr161Cys (NM_001243227.2, NM_001306207.1, NM_001348217.1 and 9 more transcripts); c.572A>G, p.Tyr191Cys (NM_001243228.2); c.548A>G, p.Tyr183Cys (NM_001243230.2); c.428A>G, p.Tyr143Cys (NM_001243231.2, NM_001348211.2); c.341A>G, p.Tyr114Cys (NM_001243232.1, NM_001306208.1); c.164A>G, p.Tyr55Cys (NM_001243233.2, NM_001330605.3, NM_001348212.2 and 1 more transcripts); c.74A>G, p.Tyr25Cys (NM_001243234.2, NM_001243235.2, NM_001243236.2 and 2 more transcripts); and 4 more; short protein forms Y114C, Y143C, Y160C, Y161C, Y183C, Y184C, Y185C, Y191C.
Identifiers: ClinVar variation 1000407 (VCV001000407.9), dbSNP rs1416409753, ClinGen allele CA402701926.
Genomic context (GRCh38, chr18:55,279,652, plus strand): 5'-TTGGAGGAAGGATAGCCTGGCGAGTCCCTATTGTAGTCGGCAGTGCTTGCTGATGGAGCA[T>C]AGACCTGAGGAGAAAGAACCAACTGAGTTTTGCTTTTTGCATTGACCACAGCAGCCCAAG-3'
Protein context (NP_001077431.1, residues 175-195): KVPPGLPSSV[Tyr185Cys]APSASTADYN

ClinVar aggregate classification (germline): Uncertain significance (1 of 4 stars; one submission).

Conditions:
Pitt-Hopkins syndrome (PTHS). Also called: ENCEPHALOPATHY, SEVERE EPILEPTIC, WITH AUTONOMIC DYSFUNCTION; MENTAL RETARDATION, SYNDROMAL, WITH INTERMITTENT HYPERVENTILATION. Identifiers: Orphanet 2896, MedGen C1970431, MONDO:0012589, OMIM 610954.

Allele frequency attached by ClinVar (database versions not stated): gnomAD exomes below 0.00001.
gnomAD v4.1: 3 of 1,613,926 alleles (0.00019%); highest among the groups gnomAD compares: South Asian, 0.0011%; no homozygotes.

Submission:

Labcorp Genetics (formerly Invitae), Labcorp
Classification: Uncertain significance for Pitt-Hopkins syndrome. Last evaluated: 2020-01-29. Review status: criteria provided, single submitter. Criteria: Invitae Variant Classification Sherloc (09022015). Collection method: clinical testing. Allele origin: germline.
Comment: This sequence change replaces tyrosine with cysteine at codon 185 of the TCF4 protein (p.Tyr185Cys). The tyrosine residue is highly conserved and there is a large physicochemical difference between tyrosine and cysteine. This variant is not present in population databases (ExAC no frequency). This variant has not been reported in the literature in individuals with TCF4-related conditions. Algorithms developed to predict the effect of missense changes on protein structure and function are either unavailable or do not agree on the potential impact of this missense change (SIFT: "Tolerated"; PolyPhen-2: "Probably Damaging"; Align-GVGD: "Class C15"). Algorithms developed to predict the effect of sequence changes on RNA splicing suggest that this variant may create or strengthen a splice site, but this prediction has not been confirmed by published transcriptional studies. In summary, the available evidence is currently insufficient to determine the role of this variant in disease. Therefore, it has been classified as a Variant of Uncertain Significance.